The following is an entry in ClinVar:

NM_000532.5(PCCB):c.1126C>G (p.Arg376Gly)

Gene: PCCB (propionyl-CoA carboxylase subunit beta; plus strand). Cytogenetic location: 3q22.3.
Variant type: single nucleotide variant.
Coding change: c.1126C>G on transcript NM_000532.5 (MANE Select); coding-DNA position 1126, C replaced by G.
Protein change: p.Arg376Gly; replaces arginine 376 with glycine.
Molecular consequence: missense variant.
Genome position (GRCh38, 1-based): chr3:136,326,838, C>G. VCF-style: chr3-136326838-C-G. GRCh37 (hg19) VCF-style: chr3-136045680-C-G.
Other names: c.1186C>G, p.Arg396Gly (NM_001178014.2); short protein forms R376G, R396G.
Identifiers: ClinVar variation 2985069 (VCV002985069.4), dbSNP rs200306164, ClinGen allele CA83819671.

ClinVar aggregate classification (germline): Conflicting classifications of pathogenicity. Review status: criteria provided, conflicting classifications (1 of 4 stars). 2 submissions from 2 submitters: Likely pathogenic (1); Uncertain significance (1). Last evaluated 2025-06-03.

Conditions:
Propionic acidemia (PROP). Also called: GLYCINEMIA, KETOTIC; HYPERGLYCINEMIA WITH KETOACIDOSIS AND LEUKOPENIA; KETOTIC HYPERGLYCINEMIA. Identifiers: Orphanet 35, MedGen C0268579, MONDO:0011628, OMIM 606054, HP:0003571.

gnomAD v4.1: 1 of 1,612,222 alleles (0.000062%); highest among the groups gnomAD compares: African/African-American, 0.0013%; no homozygotes.

Submissions (2):

Women's Health and Genetics/Laboratory Corporation of America, LabCorp
Classification: Uncertain significance. Last evaluated: 2025-06-03. Review status: criteria provided, single submitter. Criteria: LabCorp Variant Classification Summary - May 2015. Collection method: clinical testing. Allele origin: germline.
Comment: Variant summary: PCCB c.1126C>G (p.Arg376Gly) results in a non-conservative amino acid change in the encoded protein sequence. Algorithms developed to predict the effect of missense changes on protein structure and function all suggest that this variant is likely to be disruptive. The variant was absent in 251378 control chromosomes. The available data on variant occurrences in the general population are insufficient to allow any conclusion about variant significance. To our knowledge, no occurrence of c.1126C>G in individuals affected with Propionic Acidemia and no experimental evidence demonstrating its impact on protein function have been reported. ClinVar contains an entry for this variant (Variation ID: 2985069). Based on the evidence outlined above, the variant was classified as uncertain significance.

Labcorp Genetics (formerly Invitae), Labcorp
Classification: Likely pathogenic for Propionic acidemia. Last evaluated: 2024-07-18. Review status: criteria provided, single submitter. Criteria: Invitae Variant Classification Sherloc (09022015). Collection method: clinical testing. Allele origin: germline.
Comment: This sequence change replaces arginine, which is basic and polar, with glycine, which is neutral and non-polar, at codon 376 of the PCCB protein (p.Arg376Gly). This variant is not present in population databases (gnomAD no frequency). This variant has not been reported in the literature in individuals affected with PCCB-related conditions. Advanced modeling of protein sequence and biophysical properties (such as structural, functional, and spatial information, amino acid conservation, physicochemical variation, residue mobility, and thermodynamic stability) performed at Invitae indicates that this missense variant is expected to disrupt PCCB protein function with a positive predictive value of 95%. This variant disrupts the p.Arg376 amino acid residue in PCCB. Other variant(s) that disrupt this residue have been determined to be pathogenic (PMID: 27900673; Invitae). This suggests that this residue is clinically significant, and that variants that disrupt this residue are likely to be disease-causing. In summary, the currently available evidence indicates that the variant is pathogenic, but additional data are needed to prove that conclusively. Therefore, this variant has been classified as Likely Pathogenic.

Literature cited by the submitters: PubMed 27900673 (cited by Labcorp Genetics (formerly Invitae), Labcorp).